The following is an entry in ClinVar:

ClinVar aggregate classification (germline): Uncertain significance. Review status: criteria provided, multiple submitters, no conflicts (2 of 4 stars). 2 submissions from 2 submitters: Uncertain significance (2). Last evaluated 2025-12-19.

Allele frequency attached by ClinVar (database versions not stated): gnomAD 0.00001; gnomAD exomes 0.00001; TOPMed 0.00001.
gnomAD v4.1: 19 of 1,479,890 alleles (0.0013%); highest among the groups gnomAD compares: Non-Finnish European, 0.0017%; no homozygotes.

Submissions (2):

Labcorp Genetics (formerly Invitae), Labcorp
Classification: Uncertain significance. Last evaluated: 2025-12-19. Review status: criteria provided, single submitter. Criteria: Invitae Variant Classification Sherloc (09022015). Collection method: clinical testing. Allele origin: germline.
Comment: This sequence change replaces glycine, which is neutral and non-polar, with alanine, which is neutral and non-polar, at codon 594 of the TNFRSF11A protein (p.Gly594Ala). This variant is not present in population databases (gnomAD no frequency). This variant has not been reported in the literature in individuals affected with TNFRSF11A-related conditions. ClinVar contains an entry for this variant (Variation ID: 1501577). An algorithm developed to predict the effect of missense changes on protein structure and function outputs the following: PolyPhen-2: "Benign". The alanine amino acid residue is found in multiple mammalian species, which suggests that this missense change does not adversely affect protein function. In summary, the available evidence is currently insufficient to determine the role of this variant in disease. Therefore, it has been classified as a Variant of Uncertain Significance.

Revvity Omics, Revvity
Classification: Uncertain significance. Last evaluated: 2021-07-05. Review status: criteria provided, single submitter. Criteria: ACMG Guidelines, 2015. Collection method: clinical testing. Allele origin: germline.

NM_003839.4(TNFRSF11A):c.1781G>C (p.Gly594Ala)

Gene: TNFRSF11A (TNF receptor superfamily member 11a; plus strand). Cytogenetic location: 18q21.33.
Variant type: single nucleotide variant.
Coding change: c.1781G>C on transcript NM_003839.4 (MANE Select); coding-DNA position 1781, G replaced by C.
Protein change: p.Gly594Ala; replaces glycine 594 with alanine.
Molecular consequence: missense variant. On other transcripts: 3 prime UTR variant (1).
Genome position (GRCh38, 1-based): chr18:62,384,964, G>C. VCF-style: chr18-62384964-G-C. GRCh37 (hg19) VCF-style: chr18-60052197-G-C.
Other names: c.*205G>C (NM_001270949.2); c.944G>C, p.Gly315Ala (NM_001270950.2); c.830G>C, p.Gly277Ala (NM_001270951.2); c.1739G>C, p.Gly580Ala (NM_001278268.2); short protein forms G277A, G580A, G594A, G315A.
Identifiers: ClinVar variation 1501577 (VCV001501577.10), dbSNP rs1327902424, ClinGen allele CA402620743.